The following is an entry in ClinVar:

NM_000541.5(SAG):c.239G>T (p.Gly80Val)

Gene: SAG (S-antigen visual arrestin; plus strand). Cytogenetic location: 2q37.1.
Variant type: single nucleotide variant.
Coding change: c.239G>T on transcript NM_000541.5 (MANE Select); coding-DNA position 239, G replaced by T.
Protein change: p.Gly80Val; replaces glycine 80 with valine.
Molecular consequence: missense variant.
Genome position (GRCh38, 1-based): chr2:233,320,687, G>T. VCF-style: chr2-233320687-G-T. GRCh37 (hg19) VCF-style: chr2-234229333-G-T.
Other names: short protein forms G80V.
Identifiers: ClinVar variation 1719971 (VCV001719971.5), dbSNP rs2469765941, ClinGen allele CA351046295.

ClinVar aggregate classification (germline): Uncertain significance (1 of 4 stars; one submission).

Submission:

Labcorp Genetics (formerly Invitae), Labcorp
Classification: Uncertain significance. Last evaluated: 2022-09-21. Review status: criteria provided, single submitter. Criteria: Invitae Variant Classification Sherloc (09022015). Collection method: clinical testing. Allele origin: germline.
Comment: In summary, the available evidence is currently insufficient to determine the role of this variant in disease. Therefore, it has been classified as a Variant of Uncertain Significance. Algorithms developed to predict the effect of sequence changes on RNA splicing suggest that this variant may create or strengthen a splice site. Advanced modeling of protein sequence and biophysical properties (such as structural, functional, and spatial information, amino acid conservation, physicochemical variation, residue mobility, and thermodynamic stability) performed at Invitae indicates that this missense variant is expected to disrupt SAG protein function. This variant has not been reported in the literature in individuals affected with SAG-related conditions. This variant is not present in population databases (gnomAD no frequency). This sequence change replaces glycine, which is neutral and non-polar, with valine, which is neutral and non-polar, at codon 80 of the SAG protein (p.Gly80Val).